The following is an entry in ClinVar:

ClinVar aggregate classification (germline): Pathogenic/Likely pathogenic. Review status: criteria provided, multiple submitters, no conflicts (2 of 4 stars). 5 submissions from 5 submitters: Pathogenic (4); Likely pathogenic (1). Last evaluated 2024-11-11.

Conditions:
Diamond-Blackfan anemia. Also called: Blackfan Diamond syndrome; Aregenerative anemia chronic congenital; Red cell aplasia, pure hereditary; Congenital hypoplastic anemia; Aase syndrome. Identifiers: Orphanet 124, MedGen C1260899, MeSH D029503, MONDO:0015253, HP:0004810.
RPL5-related disorder. Also called: RPL5-related condition.

Submissions (5):

Labcorp Genetics (formerly Invitae), Labcorp
Classification: Pathogenic for Diamond-Blackfan anemia. Last evaluated: 2024-11-11. Review status: criteria provided, single submitter. Criteria: Invitae Variant Classification Sherloc (09022015). Collection method: clinical testing. Allele origin: germline.
Comment: This sequence change creates a premature translational stop signal (p.Arg179*) in the RPL5 gene. It is expected to result in an absent or disrupted protein product. Loss-of-function variants in RPL5 are known to be pathogenic (PMID: 19061985, 19773262). This variant is not present in population databases (gnomAD no frequency). This premature translational stop signal has been observed in individual(s) with RPL5-related conditions (PMID: 20960466). ClinVar contains an entry for this variant (Variation ID: 379826). For these reasons, this variant has been classified as Pathogenic.

Genetic Services Laboratory, University of Chicago
Classification: Likely pathogenic. Last evaluated: 2023-12-01. Review status: criteria provided, single submitter. Criteria: ACMG Guidelines, 2015. Collection method: clinical testing. Allele origin: germline. Affected: yes.
Comment: DNA sequence analysis of the RPL5 gene demonstrated a sequence change, c.535C>T, which results in the creation of a premature stop codon at amino acid position 179, p.Arg179*. This sequence change is predicted to result in an abnormal transcript, which may be degraded, or may lead to the production of a truncated RPL5 protein with potentially abnormal function. This sequence change has not been described in the population databases such as ExAC and gnomAD. This sequence change has previously been described in two individuals with sporadic Diamond-Blackfan anemia (PMID: 20960466). These collective evidences indicate that this sequence change is likely pathogenic.

Blueprint Genetics
Classification: Pathogenic for RPL5-related disorders. Last evaluated: 2021-05-03. Review status: criteria provided, single submitter. Criteria: ACMG Guidelines, 2015. Collection method: clinical testing. Allele origin: germline. Affected: yes. Observed: 2 variant alleles.

CeGaT Center for Human Genetics Tuebingen
Classification: Pathogenic. Last evaluated: 2021-01-01. Review status: criteria provided, single submitter. Criteria: CeGaT Center For Human Genetics Tuebingen Variant Classification Criteria Version 2. Collection method: clinical testing. Allele origin: germline. Affected: yes. Observed: 1 variant allele.

GeneDx
Classification: Pathogenic. Last evaluated: 2015-06-03. Review status: criteria provided, single submitter. Criteria: GeneDx Variant Classification (06012015). Collection method: clinical testing. Allele origin: germline. Affected: yes.
Comment: The R179X variant in the RPL5 gene has been reported previously in two patients with Diamond-Blackfan anemia (Boria et al., 2010); in both cases the variant occurred de novo. The R179X variant was not observed in approximately 6500 individuals of European and African American ancestry in the NHLBI Exome Sequencing Project, indicating it is not a common benign variant in these populations. This variant is predicted to cause loss of normal protein function either through protein truncation or nonsense-mediated mRNA decay. We interpret R179X as a pathogenic variant.

Literature cited by the submitters: PubMed 19061985 (cited by Labcorp Genetics (formerly Invitae), Labcorp); PubMed 19773262 (cited by Labcorp Genetics (formerly Invitae), Labcorp); PubMed 20960466 (cited by Labcorp Genetics (formerly Invitae), Labcorp).

NM_000969.5(RPL5):c.535C>T (p.Arg179Ter)

Genes: DIPK1A (divergent protein kinase domain 1A; minus strand), RPL5 (ribosomal protein L5; plus strand). Cytogenetic location: 1p22.1.
Variant type: single nucleotide variant.
Coding change: c.535C>T on transcript NM_000969.5 (MANE Select); coding-DNA position 535, C replaced by T.
Protein change: p.Arg179Ter; replaces arginine 179 with a stop codon.
Molecular consequence: nonsense. On other transcripts: non-coding transcript variant (1), intron variant (1).
Genome position (GRCh38, 1-based): chr1:92,837,463, C>T. VCF-style: chr1-92837463-C-T. GRCh37 (hg19) VCF-style: chr1-93303020-C-T.
Other names: c.475-4429G>A (NM_001252273.2); short protein forms R179*.
Identifiers: ClinVar variation 379826 (VCV000379826.42), dbSNP rs1057520746, ClinGen allele CA16603764.